The following is an entry in ClinVar:

NM_000057.4(BLM):c.2271C>A (p.Asp757Glu)

Gene: BLM (BLM RecQ like helicase; plus strand). Cytogenetic location: 15q26.1.
Variant type: single nucleotide variant.
Coding change: c.2271C>A on transcript NM_000057.4 (MANE Select); coding-DNA position 2271, C replaced by A.
Protein change: p.Asp757Glu; replaces aspartic acid 757 with glutamic acid.
Molecular consequence: missense variant.
Genome position (GRCh38, 1-based): chr15:90,766,987, C>A. VCF-style: chr15-90766987-C-A. GRCh37 (hg19) VCF-style: chr15-91310217-C-A.
Other names: c.2271C>A, p.Asp757Glu (NM_001287246.2, NM_001287247.2); c.1146C>A, p.Asp382Glu (NM_001287248.2); short protein forms D382E, D757E.
Identifiers: ClinVar variation 1716756 (VCV001716756.6), dbSNP rs773761682, ClinGen allele CA393844931.

ClinVar aggregate classification (germline): Uncertain significance (1 of 4 stars; one submission).

Conditions:
Bloom syndrome (BLM). Also called: Bloom-Torre-Machacek syndrome. Identifiers: Orphanet 125, MedGen C0005859, MONDO:0008876, OMIM 210900.

gnomAD v4.1: 1 of 1,598,572 alleles (0.000063%); highest among the groups gnomAD compares: South Asian, 0.0011%; no homozygotes.

Submission:

Labcorp Genetics (formerly Invitae), Labcorp
Classification: Uncertain significance for Bloom syndrome. Last evaluated: 2022-08-19. Review status: criteria provided, single submitter. Criteria: Invitae Variant Classification Sherloc (09022015). Collection method: clinical testing. Allele origin: germline.
Comment: This sequence change replaces aspartic acid, which is acidic and polar, with glutamic acid, which is acidic and polar, at codon 757 of the BLM protein (p.Asp757Glu). This variant is not present in population databases (gnomAD no frequency). This variant has not been reported in the literature in individuals affected with BLM-related conditions. Algorithms developed to predict the effect of missense changes on protein structure and function are either unavailable or do not agree on the potential impact of this missense change (SIFT: "Tolerated"; PolyPhen-2: "Possibly Damaging"; Align-GVGD: "Class C0"). In summary, the available evidence is currently insufficient to determine the role of this variant in disease. Therefore, it has been classified as a Variant of Uncertain Significance.